The following is an entry in ClinVar:

ClinVar aggregate classification (germline): Uncertain significance (1 of 4 stars; one submission).

Submission:

Institute for Clinical Genetics, University Hospital TU Dresden, University Hospital TU Dresden
Classification: Uncertain significance. Last evaluated: 2022-04-01. Review status: criteria provided, single submitter. Criteria: ACMG Guidelines, 2015. Collection method: clinical testing. Allele origin: maternal.
Comment: PVS1_MOD, PM2_SUP

NM_004606.5(TAF1):c.1773+1G>C

Gene: TAF1 (TATA-box binding protein associated factor 1; plus strand). Cytogenetic location: Xq13.1.
Variant type: single nucleotide variant.
Coding change: c.1773+1G>C on transcript NM_004606.5 (MANE Select); the canonical splice donor site of the intron after coding-DNA position 1773, G replaced by C.
Molecular consequence: splice donor variant.
Genome position (GRCh38, 1-based): chrX:71,382,869, G>C. VCF-style: chrX-71382869-G-C. GRCh37 (hg19) VCF-style: chrX-70602719-G-C.
Other names: c.1773+1G>C (NM_001286074.2); c.1710+1G>C (NM_138923.4).
Identifiers: ClinVar variation 2575989 (VCV002575989.1), dbSNP rs2520221766, ClinGen allele CA413514331.